The following is an entry in ClinVar:

NM_000264.5(PTCH1):c.3288C>G (p.Phe1096Leu)

Gene: PTCH1 (patched 1; minus strand). Cytogenetic location: 9q22.32.
Variant type: single nucleotide variant.
Coding change: c.3288C>G on transcript NM_000264.5 (MANE Select); coding-DNA position 3288, C replaced by G.
Protein change: p.Phe1096Leu; replaces phenylalanine 1096 with leucine.
Molecular consequence: missense variant. On other transcripts: non-coding transcript variant (1).
Genome position (GRCh38, 1-based): chr9:95,456,294, G>C on the plus strand (C>G on the coding strand, the complement: PTCH1 is on the minus strand). VCF-style: chr9-95456294-G-C. GRCh37 (hg19) VCF-style: chr9-98218576-G-C.
Other names: c.3090C>G, p.Phe1030Leu (NM_001083602.3); c.3285C>G, p.Phe1095Leu (NM_001083603.3); c.2835C>G, p.Phe945Leu (NM_001083604.3, NM_001083605.3, NM_001083606.3 and 1 more transcripts); c.3132C>G, p.Phe1044Leu (NM_001354918.2); short protein forms F1095L, F1044L, F1030L, F945L, F1096L.
Identifiers: ClinVar variation 969617 (VCV000969617.10), dbSNP rs745563970, ClinGen allele CA374111987.

ClinVar aggregate classification (germline): Uncertain significance (1 of 4 stars; one submission).

Conditions:
Gorlin syndrome. Also called: Nevoid Basal Cell Carcinoma Syndrome; Basal cell nevus syndrome. Identifiers: Orphanet 377, MedGen C0004779, MONDO:0007187.

Submission:

Labcorp Genetics (formerly Invitae), Labcorp
Classification: Uncertain significance for Gorlin syndrome. Last evaluated: 2019-10-23. Review status: criteria provided, single submitter. Criteria: Invitae Variant Classification Sherloc (09022015). Collection method: clinical testing. Allele origin: germline.
Comment: In summary, the available evidence is currently insufficient to determine the role of this variant in disease. Therefore, it has been classified as a Variant of Uncertain Significance. Algorithms developed to predict the effect of missense changes on protein structure and function are either unavailable or do not agree on the potential impact of this missense change (SIFT: "Deleterious"; PolyPhen-2: "Probably Damaging"; Align-GVGD: "Class C0"). This variant has not been reported in the literature in individuals with PTCH1-related conditions. This variant is not present in population databases (ExAC no frequency). This sequence change replaces phenylalanine with leucine at codon 1096 of the PTCH1 protein (p.Phe1096Leu). The phenylalanine residue is highly conserved and there is a small physicochemical difference between phenylalanine and leucine.